The following is an entry in ClinVar:

NM_007126.5(VCP):c.584A>G (p.Glu195Gly)

Gene: VCP (valosin containing protein; minus strand). Cytogenetic location: 9p13.3.
Variant type: single nucleotide variant.
Coding change: c.584A>G on transcript NM_007126.5 (MANE Select); coding-DNA position 584, A replaced by G.
Protein change: p.Glu195Gly; replaces glutamic acid 195 with glycine.
Molecular consequence: missense variant.
Genome position (GRCh38, 1-based): chr9:35,064,278, T>C on the plus strand (A>G on the coding strand, the complement: VCP is on the minus strand). VCF-style: chr9-35064278-T-C. GRCh37 (hg19) VCF-style: chr9-35064275-T-C.
Other names: c.449A>G, p.Glu150Gly (NM_001354927.2, NM_001354928.2); short protein forms E150G, E195G.
Identifiers: ClinVar variation 2094471 (VCV002094471.4), dbSNP rs2490363612, ClinGen allele CA373287230.
Genomic context (GRCh38, chr9:35,064,278, plus strand): 5'-TGAGCTAGCTGCTTCCTGCAGCCACCAATGTCATCATACCCTACTTCATTCAAGGACTCT[T>C]CCTCATCCTGAATATGGAGGAGATAAAGAAAGGAGAAGGCAAGAATATTATATCAGCAAA-3'
Protein context (NP_009057.1, residues 185-205): EGEPIKREDE[Glu195Gly]ESLNEVGYDD

ClinVar aggregate classification (germline): Uncertain significance (1 of 4 stars; one submission).

Conditions:
Frontotemporal dementia and/or amyotrophic lateral sclerosis 6 (FTDALS6). Also called: VCP-Related Amyotrophic Lateral Sclerosis; VCP-Related Amyotrophic Lateral Sclerosis/Frontotemporal Dementia. Identifiers: Orphanet 275872, Orphanet 803, MedGen C5436279, MONDO:0013501, OMIM 613954.
Inclusion body myopathy with Paget disease of bone and frontotemporal dementia. Also called: Inclusion body myopathy with early-onset Paget disease and frontotemporal dementia. Identifiers: Orphanet 52430, MedGen C1833662, MONDO:0000507.

Submission:

Labcorp Genetics (formerly Invitae), Labcorp
Classification: Uncertain significance for Inclusion body myopathy with Paget disease of bone and frontotemporal dementia; Frontotemporal dementia and/or amyotrophic lateral sclerosis 6. Last evaluated: 2022-02-07. Review status: criteria provided, single submitter. Criteria: Invitae Variant Classification Sherloc (09022015). Collection method: clinical testing. Allele origin: germline.
Comment: Advanced modeling of protein sequence and biophysical properties (such as structural, functional, and spatial information, amino acid conservation, physicochemical variation, residue mobility, and thermodynamic stability) performed at Invitae indicates that this missense variant is not expected to disrupt VCP protein function. In summary, the available evidence is currently insufficient to determine the role of this variant in disease. Therefore, it has been classified as a Variant of Uncertain Significance. This variant has not been reported in the literature in individuals affected with VCP-related conditions. This variant is not present in population databases (gnomAD no frequency). This sequence change replaces glutamic acid, which is acidic and polar, with glycine, which is neutral and non-polar, at codon 195 of the VCP protein (p.Glu195Gly).